The following is an entry in ClinVar:

ClinVar aggregate classification (germline): Pathogenic (1 of 4 stars; one submission).

Conditions:
Hao-Fountain syndrome (HAFOUS). Identifiers: Orphanet 643549, MedGen C5393908, MONDO:0014805.

Submission:

Victorian Clinical Genetics Services, Murdoch Childrens Research Institute
Classification: Pathogenic for Hao-Fountain syndrome. Last evaluated: 2020-05-26. Review status: criteria provided, single submitter. Criteria: ACMG Guidelines, 2015. Collection method: clinical testing. Allele origin: germline. Inheritance: Autosomal dominant inheritance.
Comment: Based on the classification scheme VCGS_Germline_v1.1.1, this variant is classified as Pathogenic. Following criteria are met: 0102 - Loss-of-function is a known mechanism of disease for this gene. (N) 0107 - This gene is known to be associated with autosomal dominant disease. (N) 0201 - Variant is predicted to cause nonsense-mediated decay (NMD) and loss of protein (exon 6 of 31). (P) 0251 - Variant is heterozygous. (N) 0301 - Variant is absent from gnomAD. (P) 0702 - Comparable variants have strong previous evidence for pathogenicity. Other variants predicted to cause NMD have been reported as pathogenic in multiple individuals (ClinVar, PMID: 30679821). (P) 0807 - Variant has not previously been reported in a clinical context. (N) 0905 - No segregation evidence has been identified for this variant. (N) 1007 - No published functional evidence has been identified for this variant. (P) Legend: (P) - Pathogenic, (N) - Neutral, (B) - Benign

Literature cited by the submitters: PubMed 30679821.

NM_003470.3(USP7):c.701dup (p.Thr235fs)

Gene: USP7 (ubiquitin specific peptidase 7; minus strand). Cytogenetic location: 16p13.2.
Variant type: Duplication.
Coding change: c.701dup on transcript NM_003470.3 (MANE Select); coding-DNA position 701, one base duplicated (T; older notation c.701dupT).
Protein change: p.Thr235fs; shifts the reading frame from threonine 235.
Molecular consequence: frameshift variant. On other transcripts: non-coding transcript variant (1).
Genome position (GRCh38, 1-based): chr16:8,919,050, A duplicated on the plus strand (T on the coding strand, the reverse complement: USP7 is on the minus strand); the first of 5 consecutive A bases (chr16:8,919,050-8,919,054); duplicating any one gives the same sequence. VCF-style (leftmost placement, unchanged base first): chr16-8919049-G-GA. GRCh37 (hg19) VCF-style: chr16-9012906-G-GA.
Other names: c.653dup, p.Thr219fs (NM_001286457.2); c.404dup, p.Thr136fs (NM_001286458.2); c.527dup, p.Thr177fs (NM_001321858.2); short protein forms T136fs, T177fs, T219fs, T235fs.
Identifiers: ClinVar variation 1805368 (VCV001805368.1), dbSNP rs2549244919, ClinGen allele CA923726108.